The following is an entry in ClinVar:

ClinVar aggregate classification (germline): Uncertain significance (1 of 4 stars; one submission).

Conditions:
Neuropathy, hereditary sensory and autonomic, type 2A (HSAN2A). Also called: ACROOSTEOLYSIS, GIACCAI TYPE; ACROOSTEOLYSIS, NEUROGENIC; MORVAN DISEASE; NEUROPATHY, CONGENITAL SENSORY; NEUROPATHY, HEREDITARY SENSORY RADICULAR, AUTOSOMAL RECESSIVE; NEUROPATHY, HEREDITARY SENSORY, TYPE IIA. Identifiers: Orphanet 970, MedGen C2752089, MONDO:0024309, OMIM 201300.
Pseudohypoaldosteronism type 2C (PHA2C). Also called: Pseudohypoaldosteronism Type IIC. Identifiers: Orphanet 757, Orphanet 88940, MedGen C1840391, MONDO:0013778, OMIM 614492.

Allele frequency attached by ClinVar (database versions not stated): ESP Exome Variant Server 0.00008; TOPMed below 0.00001; gnomAD 0.00001; gnomAD exomes 0.00001.
gnomAD v4.1: 6 of 1,614,072 alleles (0.00037%); highest among the groups gnomAD compares: Non-Finnish European, 0.00051%; no homozygotes.

Submission:

Labcorp Genetics (formerly Invitae), Labcorp
Classification: Uncertain significance for Neuropathy, hereditary sensory and autonomic, type 2A; Pseudohypoaldosteronism type 2C. Last evaluated: 2022-03-14. Review status: criteria provided, single submitter. Criteria: Invitae Variant Classification Sherloc (09022015). Collection method: clinical testing. Allele origin: germline.
Comment: This sequence change replaces lysine, which is basic and polar, with glutamine, which is neutral and polar, at codon 2194 of the WNK1 protein (p.Lys2194Gln). This variant is not present in population databases (gnomAD no frequency). This variant has not been reported in the literature in individuals affected with WNK1-related conditions. Advanced modeling of protein sequence and biophysical properties (such as structural, functional, and spatial information, amino acid conservation, physicochemical variation, residue mobility, and thermodynamic stability) performed at Invitae indicates that this missense variant is not expected to disrupt WNK1 protein function. In summary, the available evidence is currently insufficient to determine the role of this variant in disease. Therefore, it has been classified as a Variant of Uncertain Significance.

NM_018979.4(WNK1):c.5824A>C (p.Lys1942Gln)

Gene: WNK1 (WNK lysine deficient protein kinase 1; plus strand). Cytogenetic location: 12p13.33.
Variant type: single nucleotide variant.
Coding change: c.5824A>C on transcript NM_018979.4 (MANE Select); coding-DNA position 5824, A replaced by C.
Protein change: p.Lys1942Gln; replaces lysine 1942 with glutamine.
Molecular consequence: missense variant.
Genome position (GRCh38, 1-based): chr12:896,311, A>C. VCF-style: chr12-896311-A-C. GRCh37 (hg19) VCF-style: chr12-1005477-A-C.
Other names: c.6604A>C, p.Lys2202Gln (NM_001184985.2); c.5080A>C, p.Lys1694Gln (NM_014823.3); c.6580A>C, p.Lys2194Gln (NM_213655.5); short protein forms K2194Q, K2202Q, K1694Q, K1942Q.
Identifiers: ClinVar variation 2159801 (VCV002159801.4), dbSNP rs375862817, ClinGen allele CA231486550.